The following is an entry in ClinVar:

ClinVar aggregate classification (germline): Likely pathogenic (1 of 4 stars; one submission).

Submission:

Labcorp Genetics (formerly Invitae), Labcorp
Classification: Likely pathogenic. Last evaluated: 2022-05-20. Review status: criteria provided, single submitter. Criteria: Invitae Variant Classification Sherloc (09022015). Collection method: clinical testing. Allele origin: germline.
Comment: This variant is not present in population databases (gnomAD no frequency). This variant has not been reported in the literature in individuals affected with OTOG-related conditions. This sequence change affects a splice site in intron 1 of the OTOG gene. It is expected to disrupt RNA splicing. Variants that disrupt the donor or acceptor splice site typically lead to a loss of protein function (PMID: 16199547), and loss-of-function variants in OTOG are known to be pathogenic (PMID: 23122587). In summary, the currently available evidence indicates that the variant is pathogenic, but additional data are needed to prove that conclusively. Therefore, this variant has been classified as Likely Pathogenic.

Literature cited by the submitters: PubMed 16199547; PubMed 23122587.

NM_001292063.2(OTOG):c.94+82_94+92del

Gene: OTOG (otogelin; plus strand). Cytogenetic location: 11p15.1.
Variant type: Deletion.
Coding change: c.94+82_94+92del on transcript NM_001292063.2 (MANE Select); bases 82 to 92 of the intron after coding-DNA position 94, 11 bases deleted (TTGGAGAGAGG).
Molecular consequence: intron variant. On other transcripts: splice donor variant (1).
Genome position (GRCh38, 1-based): chr11:17,547,548-17,547,558, TTGGAGAGAGG deleted; deleting any 11 consecutive bases within chr11:17,547,545-17,547,558 gives the same sequence; the c. name uses the placement nearest the transcript's 3' end. VCF-style (leftmost placement, unchanged base first): chr11-17547544-CAGGTTGGAGAG-C. GRCh37 (hg19) VCF-style: chr11-17569091-CAGGTTGGAGAG-C.
Other names: c.174+2_174+12del (NM_001277269.2).
Identifiers: ClinVar variation 1990528 (VCV001990528.2), dbSNP rs1449542511, ClinGen allele CA674242693.